The following is an entry in ClinVar:

ClinVar aggregate classification (germline): Conflicting classifications of pathogenicity. Review status: criteria provided, conflicting classifications (1 of 4 stars). 3 submissions from 3 submitters: Uncertain significance (2); Likely benign (1). Last evaluated 2025-07-09.

Conditions:
Neonatal diabetes mellitus with congenital hypothyroidism. Also called: NDH SYNDROME. Identifiers: Orphanet 79118, MedGen C1857775, MONDO:0012436, OMIM 610199.

Allele frequency attached by ClinVar (database versions not stated): gnomAD 0.00004 and 0.00009; gnomAD exomes 0.00007 and 0.00014; TOPMed 0.00007; ESP Exome Variant Server 0.00008; ExAC 0.00011; 1000 Genomes Project 30x 0.00016; 1000 Genomes Project 0.00020.
gnomAD v4.1: 121 of 1,614,092 alleles (0.0075%); highest among the groups gnomAD compares: Middle Eastern, 0.083%; no homozygotes.

Submissions (3):

Labcorp Genetics (formerly Invitae), Labcorp
Classification: Likely benign. Last evaluated: 2025-07-09. Review status: criteria provided, single submitter. Criteria: Invitae Variant Classification Sherloc (09022015). Collection method: clinical testing. Allele origin: germline.

Fulgent Genetics
Classification: Uncertain significance for Neonatal diabetes mellitus with congenital hypothyroidism. Last evaluated: 2021-12-23. Review status: criteria provided, single submitter. Criteria: ACMG Guidelines, 2015. Collection method: clinical testing. Allele origin: unknown.

GeneDx
Classification: Uncertain significance. Last evaluated: 2019-11-22. Review status: criteria provided, single submitter. Criteria: GeneDx Variant Classification Process June 2021. Collection method: clinical testing. Allele origin: germline. Affected: yes.
Comment: Has not been previously published as pathogenic or benign to our knowledge; In silico analysis, which includes splice predictors and evolutionary conservation, suggests this variant may impact gene splicing. In the absence of RNA/functional studies, the actual effect of this sequence change is unknown.

NM_001042413.2(GLIS3):c.1779C>T (p.Gly593=)

Gene: GLIS3 (GLIS family zinc finger 3; minus strand). Cytogenetic location: 9p24.2.
Variant type: single nucleotide variant.
Coding change: c.1779C>T on transcript NM_001042413.2 (MANE Select); coding-DNA position 1779, C replaced by T.
Protein change: p.Gly593=; no amino-acid change (glycine 593 retained).
Molecular consequence: synonymous variant.
Genome position (GRCh38, 1-based): chr9:3,937,121, G>A on the plus strand (C>T on the coding strand, the complement: GLIS3 is on the minus strand). VCF-style: chr9-3937121-G-A. GRCh37 (hg19) VCF-style: chr9-3937121-G-A.
Other names: c.1314C>T, p.Gly438= (NM_152629.4).
Identifiers: ClinVar variation 1309872 (VCV001309872.7), dbSNP rs370278575, ClinGen allele CA4968081.